The following is an entry in ClinVar:

NM_006118.4(HAX1):c.109G>C (p.Glu37Gln)

Gene: HAX1 (HCLS1 associated protein X-1; plus strand). Cytogenetic location: 1q21.3.
Variant type: single nucleotide variant.
Coding change: c.109G>C on transcript NM_006118.4 (MANE Select); coding-DNA position 109, G replaced by C.
Protein change: p.Glu37Gln; replaces glutamic acid 37 with glutamine.
Molecular consequence: missense variant. On other transcripts: intron variant (1).
Genome position (GRCh38, 1-based): chr1:154,273,391, G>C. VCF-style: chr1-154273391-G-C. GRCh37 (hg19) VCF-style: chr1-154245867-G-C.
Other names: c.54-89G>C (NM_001018837.2); short protein forms E37Q.
Identifiers: ClinVar variation 2413281 (VCV002413281.4), dbSNP rs201707963, ClinGen allele CA1127257.

ClinVar aggregate classification (germline): Uncertain significance. Review status: criteria provided, multiple submitters, no conflicts (2 of 4 stars). 2 submissions from 2 submitters: Uncertain significance (2). Last evaluated 2025-06-12.

Conditions:
Inborn genetic diseases. Identifiers: MedGen C0950123, MeSH D030342.
Kostmann syndrome (SCN3). Also called: KOSTMANN DISEASE; Autosomal recessive severe congenital neutropenia type 3. Identifiers: Orphanet 99749, MedGen C5235141, MONDO:0012548, OMIM 610738.

Allele frequency attached by ClinVar (database versions not stated): ExAC 0.00001; gnomAD 0.00001; 1000 Genomes Project 30x 0.00016; 1000 Genomes Project 0.00020.
gnomAD v4.1: 4 of 1,613,924 alleles (0.00025%); highest among the groups gnomAD compares: East Asian, 0.0067%; no homozygotes.

Submissions (2):

Ambry Genetics
Classification: Uncertain significance for Inborn genetic diseases. Last evaluated: 2025-06-12. Review status: criteria provided, single submitter. Criteria: Ambry Variant Classification Scheme 2023. Collection method: clinical testing. Allele origin: germline.
Comment: The p.E37Q variant (also known as c.109G>C), located in coding exon 2 of the HAX1 gene, results from a G to C substitution at nucleotide position 109. The glutamic acid at codon 37 is replaced by glutamine, an amino acid with highly similar properties. This amino acid position is conserved. In addition, this alteration is predicted to be tolerated by in silico analysis. Based on the available evidence, the clinical significance of this variant remains unclear.

Labcorp Genetics (formerly Invitae), Labcorp
Classification: Uncertain significance for Kostmann syndrome. Last evaluated: 2022-03-10. Review status: criteria provided, single submitter. Criteria: Invitae Variant Classification Sherloc (09022015). Collection method: clinical testing. Allele origin: germline.
Comment: This sequence change replaces glutamic acid, which is acidic and polar, with glutamine, which is neutral and polar, at codon 37 of the HAX1 protein (p.Glu37Gln). This variant is present in population databases (rs201707963, gnomAD 0.006%). This variant has not been reported in the literature in individuals affected with HAX1-related conditions. Algorithms developed to predict the effect of missense changes on protein structure and function are either unavailable or do not agree on the potential impact of this missense change (SIFT: "Deleterious"; PolyPhen-2: "Possibly Damaging"; Align-GVGD: "Class C0"). In summary, the available evidence is currently insufficient to determine the role of this variant in disease. Therefore, it has been classified as a Variant of Uncertain Significance.